The following is an entry in ClinVar:

ClinVar aggregate classification (germline): Conflicting classifications of pathogenicity. Review status: criteria provided, conflicting classifications (1 of 4 stars). 3 submissions from 3 submitters: Uncertain significance (2); Likely benign (1). Last evaluated 2024-09-20.

Conditions:
Intellectual developmental disorder, X-linked, syndromic, Raymond type. Also called: Syndromic X-linked intellectual disability Raymond type. Identifiers: MedGen C3275406, MONDO:0010427, OMIM 300799.

Submissions (3):

3billion
Classification: Likely benign for Intellectual developmental disorder, X-linked, syndromic, Raymond type. Last evaluated: 2024-09-20. Review status: criteria provided, single submitter. Criteria: ACMG Guidelines, 2015. Collection method: clinical testing. Allele origin: germline. Affected: no.
Comment: The hemizygous variant was found in patients diagnosed with another variant in a different gene, with no symptoms related to the gene containing the hemizygous variant.

GeneDx
Classification: Uncertain significance. Last evaluated: 2024-05-28. Review status: criteria provided, single submitter. Criteria: GeneDx Variant Classification Process June 2021. Collection method: clinical testing. Allele origin: germline. Affected: yes.
Comment: Not observed at significant frequency in large population cohorts (gnomAD); In silico analysis supports that this missense variant has a deleterious effect on protein structure/function; Has not been previously published as pathogenic or benign to our knowledge

Labcorp Genetics (formerly Invitae), Labcorp
Classification: Uncertain significance for Intellectual developmental disorder, X-linked, syndromic, Raymond type. Last evaluated: 2023-04-07. Review status: criteria provided, single submitter. Criteria: Invitae Variant Classification Sherloc (09022015). Collection method: clinical testing. Allele origin: germline.
Comment: Advanced modeling of protein sequence and biophysical properties (such as structural, functional, and spatial information, amino acid conservation, physicochemical variation, residue mobility, and thermodynamic stability) performed at Invitae indicates that this missense variant is expected to disrupt ZDHHC9 protein function. ClinVar contains an entry for this variant (Variation ID: 1501034). This variant has not been reported in the literature in individuals affected with ZDHHC9-related conditions. This variant is not present in population databases (gnomAD no frequency). This sequence change replaces arginine, which is basic and polar, with cysteine, which is neutral and slightly polar, at codon 182 of the ZDHHC9 protein (p.Arg182Cys). In summary, the available evidence is currently insufficient to determine the role of this variant in disease. Therefore, it has been classified as a Variant of Uncertain Significance.

NM_016032.4(ZDHHC9):c.544C>T (p.Arg182Cys)

Gene: ZDHHC9 (zDHHC palmitoyltransferase 9; minus strand). Cytogenetic location: Xq26.1.
Variant type: single nucleotide variant.
Coding change: c.544C>T on transcript NM_016032.4 (MANE Select); coding-DNA position 544, C replaced by T.
Protein change: p.Arg182Cys; replaces arginine 182 with cysteine.
Molecular consequence: missense variant.
Genome position (GRCh38, 1-based): chrX:129,814,739, G>A on the plus strand (C>T on the coding strand, the complement: ZDHHC9 is on the minus strand). VCF-style: chrX-129814739-G-A. GRCh37 (hg19) VCF-style: chrX-128948715-G-A.
Other names: c.544C>T, p.Arg182Cys (NM_001008222.3); c.544C>T (NM_016032.2); short protein forms R182C.
Identifiers: ClinVar variation 1501034 (VCV001501034.9), dbSNP rs2124105703, ClinGen allele CA414586677.